The following is an entry in ClinVar:

NM_000051.4(ATM):c.8336T>A (p.Phe2779Tyr)

Genes: ATM (ATM serine/threonine kinase; plus strand), C11orf65 (chromosome 11 open reading frame 65; minus strand). Cytogenetic location: 11q22.3.
Variant type: single nucleotide variant.
Coding change: c.8336T>A on transcript NM_000051.4 (MANE Select); coding-DNA position 8336, T replaced by A.
Protein change: p.Phe2779Tyr; replaces phenylalanine 2779 with tyrosine.
Molecular consequence: missense variant. On other transcripts: intron variant (2).
Genome position (GRCh38, 1-based): chr11:108,343,289, T>A. VCF-style: chr11-108343289-T-A. GRCh37 (hg19) VCF-style: chr11-108214016-T-A.
Other names: c.8336T>A, p.Phe2779Tyr (NM_001351834.2); c.641-34218A>T (NM_001330368.2); c.695-7997A>T (NM_001351110.2); short protein forms F2779Y.
Identifiers: ClinVar variation 233524 (VCV000233524.9), dbSNP rs876660461, ClinGen allele CA10579297.

ClinVar aggregate classification (germline): Uncertain significance. Review status: criteria provided, multiple submitters, no conflicts (2 of 4 stars). 2 submissions from 2 submitters: Uncertain significance (2). Last evaluated 2024-02-29.

Conditions:
Hereditary cancer-predisposing syndrome. Also called: Neoplastic Syndromes, Hereditary; Hereditary neoplastic syndrome; Tumor predisposition; Hereditary Cancer Syndrome. Identifiers: Orphanet 140162, MedGen C0027672, MeSH D009386, MONDO:0015356.
Ataxia-telangiectasia syndrome (AT). Also called: Ataxia telangiectasia (A-T); Cerebello-oculocutaneous telangiectasia; Immunodeficiency with ataxia telangiectasia; LOUIS-BAR SYNDROME; AT, COMPLEMENTATION GROUP C; ATAXIA-TELANGIECTASIA, FRESNO VARIANT. Identifiers: Orphanet 100, MedGen C0004135, MONDO:0008840, OMIM 208900.

Submissions (2):

Labcorp Genetics (formerly Invitae), Labcorp
Classification: Uncertain significance for Ataxia-telangiectasia syndrome. Last evaluated: 2024-02-29. Review status: criteria provided, single submitter. Criteria: Invitae Variant Classification Sherloc (09022015). Collection method: clinical testing. Allele origin: germline.
Comment: This sequence change replaces phenylalanine, which is neutral and non-polar, with tyrosine, which is neutral and polar, at codon 2779 of the ATM protein (p.Phe2779Tyr). This variant is not present in population databases (gnomAD no frequency). This variant has not been reported in the literature in individuals affected with ATM-related conditions. ClinVar contains an entry for this variant (Variation ID: 233524). Algorithms developed to predict the effect of missense changes on protein structure and function output the following: SIFT: "Not Available"; PolyPhen-2: "Benign"; Align-GVGD: "Not Available". The tyrosine amino acid residue is found in multiple mammalian species, which suggests that this missense change does not adversely affect protein function. In summary, the available evidence is currently insufficient to determine the role of this variant in disease. Therefore, it has been classified as a Variant of Uncertain Significance.

Ambry Genetics
Classification: Uncertain significance for Hereditary cancer-predisposing syndrome. Last evaluated: 2015-08-13. Review status: criteria provided, single submitter. Criteria: Ambry Variant Classification Scheme 2023. Collection method: clinical testing. Allele origin: germline.
Comment: The p.F2779Y variant (also known as c.8336T>A), located in coding exon 56 of the ATM gene, results from a T to A substitution at nucleotide position 8336. The phenylalanine at codon 2779 is replaced by tyrosine, an amino acid with highly similar properties. This variant was not reported in population based cohorts in the following databases: Database of Single Nucleotide Polymorphisms (dbSNP), NHLBI Exome Sequencing Project (ESP), and 1000 Genomes Project. In the ESP, this variant was not observed in 6499 samples (12998 alleles) with coverage at this position. To date, this alteration has been detected with an allele frequency of approximately 0.002% (greater than 66000 alleles tested) in our clinical cohort. This amino acid position is not well conserved in available vertebrate species. In addition, this alteration is predicted to be tolerated by in silico analysis. Since supporting evidence is limited at this time, the clinical significance of p.F2779Y remains unclear.